The following is an entry in ClinVar:

GRCh38/hg38 15q13.3(chr15:31806467-32343758)x1

Genes: CHRNA7 (cholinergic receptor nicotinic alpha 7 subunit), OTUD7A (OTU deubiquitinase 7A; minus strand), LOC125078053 (Sharpr-MPRA regulatory region 11410; plus strand), LOC129390681 (MPRA-validated peak2289 silencer), LOC130056727 (ATAC-STARR-seq lymphoblastoid silent region 6268; plus strand). Cytogenetic location: 15q13.3.
Variant type: copy number loss.
Change: copy number 1 (one copy instead of two) of chr15:31,806,467-32,343,758 (537.3 kb, GRCh38 coordinates, 1-based), cytogenetic band 15q13.3.
Identifiers: ClinVar variation 57875 (VCV000057875.1).

ClinVar aggregate classification (germline): Pathogenic (1 of 4 stars; one submission).

Submission:

ISCA site 17
Classification: Pathogenic. Last evaluated: 2011-08-12. Review status: criteria provided, single submitter. Criteria: Kaminsky et al. (Genet Med. 2011). Collection method: clinical testing. Allele origin: unknown. Affected: yes. Observed: 1 variant allele.
Comment: Copy number variation identified through the course of routine clinical cytogenomic testing in postnatal populations. Clinical assertions have been curated as described in Kaminsky et al. 2011.